The following is an entry in ClinVar:

NM_144643.4(SCLT1):c.549+4A>G

Gene: SCLT1 (sodium channel and clathrin linker 1; minus strand). Cytogenetic location: 4q28.2.
Variant type: single nucleotide variant.
Coding change: c.549+4A>G on transcript NM_144643.4 (MANE Select); 4 bases into the intron after coding-DNA position 549, A replaced by G.
Molecular consequence: intron variant.
Genome position (GRCh38, 1-based): chr4:128,999,668, T>C on the plus strand (A>G on the coding strand, the complement: SCLT1 is on the minus strand). VCF-style: chr4-128999668-T-C. GRCh37 (hg19) VCF-style: chr4-129920823-T-C.
Other names: c.549+4A>G (NM_144643.3).
Identifiers: ClinVar variation 1445836 (VCV001445836.5), dbSNP rs201885136, ClinGen allele CA3079913.

ClinVar aggregate classification (germline): Conflicting classifications of pathogenicity. Review status: criteria provided, conflicting classifications (1 of 4 stars). 2 submissions from 2 submitters: Uncertain significance (1); Likely benign (1). Last evaluated 2025-06-18.

Conditions:
SCLT1-related disorder. Also called: SCLT1-related condition.

Allele frequency attached by ClinVar (database versions not stated): gnomAD 0.00002 and 0.00003; TOPMed 0.00002; ExAC 0.00003; gnomAD exomes 0.00003; 1000 Genomes Project 30x 0.00016; 1000 Genomes Project 0.00020.
gnomAD v4.1: 185 of 1,593,784 alleles (0.012%); highest among the groups gnomAD compares: Non-Finnish European, 0.015%; no homozygotes.

Submissions (2):

PreventionGenetics, part of Exact Sciences
Classification: Likely benign for SCLT1-related condition. Last evaluated: 2025-06-18. Review status: criteria provided, single submitter. Criteria: ACMG Guidelines, 2015. Collection method: clinical testing. Allele origin: germline.
Comment: This variant is classified as likely benign based on ACMG/AMP sequence variant interpretation guidelines (Richards et al. 2015 PMID: 25741868, with internal and published modifications).

Labcorp Genetics (formerly Invitae), Labcorp
Classification: Uncertain significance. Last evaluated: 2021-03-03. Review status: criteria provided, single submitter. Criteria: Invitae Variant Classification Sherloc (09022015). Collection method: clinical testing. Allele origin: germline.
Comment: This variant is present in population databases (rs201885136, ExAC 0.005%). In summary, the available evidence is currently insufficient to determine the role of this variant in disease. Therefore, it has been classified as a Variant of Uncertain Significance. Nucleotide substitutions within the consensus splice site are a relatively common cause of aberrant splicing (PMID: 17576681, 9536098). Algorithms developed to predict the effect of sequence changes on RNA splicing suggest that this variant may disrupt the consensus splice site, but this prediction has not been confirmed by published transcriptional studies. This variant has not been reported in the literature in individuals with SCLT1-related conditions. This sequence change falls in intron 7 of the SCLT1 gene. It does not directly change the encoded amino acid sequence of the SCLT1 protein. It affects a nucleotide within the consensus splice site of the intron.

Literature cited by the submitters: PubMed 17576681 (cited by Labcorp Genetics (formerly Invitae), Labcorp); PubMed 9536098 (cited by Labcorp Genetics (formerly Invitae), Labcorp).